The following is an entry in ClinVar:

NM_005787.6(ALG3):c.101T>C (p.Leu34Pro)

Gene: ALG3 (ALG3 alpha-1,3- mannosyltransferase; minus strand). Cytogenetic location: 3q27.1.
Variant type: single nucleotide variant.
Coding change: c.101T>C on transcript NM_005787.6 (MANE Select); coding-DNA position 101, T replaced by C.
Protein change: p.Leu34Pro; replaces leucine 34 with proline.
Molecular consequence: missense variant. On other transcripts: synonymous variant (1), non-coding transcript variant (2), intron variant (1).
Genome position (GRCh38, 1-based): chr3:184,248,840, A>G on the plus strand (T>C on the coding strand, the complement: ALG3 is on the minus strand). VCF-style: chr3-184248840-A-G. GRCh37 (hg19) VCF-style: chr3-183966628-A-G.
Other names: c.33T>C, p.Pro11= (NM_001006942.1); c.52+386T>C (NM_001006941.2); short protein forms L34P.
Identifiers: ClinVar variation 1716901 (VCV001716901.5), dbSNP rs2473859292, ClinGen allele CA355425592.

ClinVar aggregate classification (germline): Uncertain significance (1 of 4 stars; one submission).

Conditions:
ALG3-congenital disorder of glycosylation. Also called: CONGENITAL DISORDER OF GLYCOSYLATION, TYPE Id; CDG Id; CARBOHYDRATE-DEFICIENT GLYCOPROTEIN SYNDROME, TYPE IV; CDGS, TYPE IV; ALG3-CDG. Identifiers: Orphanet 79321, MedGen C1832736, MONDO:0010998, OMIM 601110.

gnomAD v4.1: 1 of 1,608,420 alleles (0.000062%); highest among the groups gnomAD compares: Non-Finnish European, 0.000085%; no homozygotes.

Submission:

Labcorp Genetics (formerly Invitae), Labcorp
Classification: Uncertain significance for ALG3-congenital disorder of glycosylation. Last evaluated: 2022-08-19. Review status: criteria provided, single submitter. Criteria: Invitae Variant Classification Sherloc (09022015). Collection method: clinical testing. Allele origin: germline.
Comment: This sequence change replaces leucine, which is neutral and non-polar, with proline, which is neutral and non-polar, at codon 34 of the ALG3 protein (p.Leu34Pro). This variant is not present in population databases (gnomAD no frequency). This variant has not been reported in the literature in individuals affected with ALG3-related conditions. Algorithms developed to predict the effect of missense changes on protein structure and function (SIFT, PolyPhen-2, Align-GVGD) all suggest that this variant is likely to be tolerated. In summary, the available evidence is currently insufficient to determine the role of this variant in disease. Therefore, it has been classified as a Variant of Uncertain Significance.